The following is an entry in ClinVar:

NM_001377229.1(DISP1):c.895C>T (p.Arg299Ter)

Gene: DISP1 (dispatched RND transporter family member 1; plus strand). Cytogenetic location: 1q41.
Variant type: single nucleotide variant.
Coding change: c.895C>T on transcript NM_001377229.1 (MANE Select); coding-DNA position 895, C replaced by T.
Protein change: p.Arg299Ter; replaces arginine 299 with a stop codon.
Molecular consequence: nonsense.
Genome position (GRCh38, 1-based): chr1:222,994,890, C>T. VCF-style: chr1-222994890-C-T. GRCh37 (hg19) VCF-style: chr1-223168232-C-T.
Other names: c.166C>T, p.Arg56Ter (NM_001350630.2); c.895C>T, p.Arg299Ter (NM_001369594.1, NM_001377228.1, NM_032890.5); short protein forms R299*, R56*.
Identifiers: ClinVar variation 1709308 (VCV001709308.2), dbSNP rs773799838, ClinGen allele CA1408963.

ClinVar aggregate classification (germline): Conflicting classifications of pathogenicity. Review status: criteria provided, conflicting classifications (1 of 4 stars). 2 submissions from 2 submitters: Pathogenic (1); Uncertain significance (1). Last evaluated 2025-03-29.

Conditions:
Holoprosencephaly 7 (HPE7). Identifiers: Orphanet 2162, MedGen C1835820, MONDO:0012562, OMIM 610828.

Allele frequency attached by ClinVar (database versions not stated): gnomAD 0.00001; TOPMed 0.00001.
gnomAD v4.1: 12 of 1,607,680 alleles (0.00075%); highest among the groups gnomAD compares: African/African-American, 0.0013%; no homozygotes.

Submissions (2):

Labcorp Genetics (formerly Invitae), Labcorp
Classification: Pathogenic. Last evaluated: 2025-03-29. Review status: criteria provided, single submitter. Criteria: Invitae Variant Classification Sherloc (09022015). Collection method: clinical testing. Allele origin: germline.
Comment: This sequence change creates a premature translational stop signal (p.Arg299*) in the DISP1 gene. It is expected to result in an absent or disrupted protein product. Loss-of-function variants in DISP1 are known to be pathogenic (PMID: 38529886). This variant is present in population databases (rs773799838, gnomAD 0.007%). This variant has not been reported in the literature in individuals affected with DISP1-related conditions. ClinVar contains an entry for this variant (Variation ID: 1709308). For these reasons, this variant has been classified as Pathogenic.

MGZ Medical Genetics Center
Classification: Uncertain significance for Holoprosencephaly 7. Last evaluated: 2022-03-07. Review status: criteria provided, single submitter. Criteria: ACMG Guidelines, 2015. Collection method: clinical testing. Allele origin: germline. Affected: yes. Observed: 1 variant allele.
Comment: ACMG criteria applied: PVS1_SUP, PM2_SUP

Literature cited by the submitters: PubMed 38529886 (cited by Labcorp Genetics (formerly Invitae), Labcorp).